The following is an entry in ClinVar:

ClinVar aggregate classification (germline): Likely pathogenic. Review status: criteria provided, multiple submitters, no conflicts (2 of 4 stars). 2 submissions from 2 submitters: Likely pathogenic (2). Last evaluated 2022-07-26.

Conditions:
Hereditary spastic paraplegia 7 (SPG7). Also called: SPASTIC PARAPLEGIA 7, AUTOSOMAL RECESSIVE, WITH OR WITHOUT CEREBELLAR ATAXIA; Spastic paraplegia 7; Hereditary spastic paraplegia Paraplegin type; Autosomal recessive spastic paraplegia type 7; SPG7-related neurologic disorder. Identifiers: Orphanet 99013, MedGen C1846564, MONDO:0011803, OMIM 607259.

gnomAD v4.1: 1 of 1,580,348 alleles (0.000063%); highest among the groups gnomAD compares: Non-Finnish European, 0.000087%; no homozygotes.

Submissions (2):

MGZ Medical Genetics Center
Classification: Likely pathogenic for Hereditary spastic paraplegia 7. Last evaluated: 2022-07-26. Review status: criteria provided, single submitter. Criteria: ACMG Guidelines, 2015. Collection method: clinical testing. Allele origin: germline. Affected: yes. Observed: 1 variant allele.
Comment: ACMG criteria applied: PVS1, PM2_SUP

Labcorp Genetics (formerly Invitae), Labcorp
Classification: Likely pathogenic for Hereditary spastic paraplegia 7. Last evaluated: 2021-01-08. Review status: criteria provided, single submitter. Criteria: Invitae Variant Classification Sherloc (09022015). Collection method: clinical testing. Allele origin: germline.
Comment: In summary, the currently available evidence indicates that the variant is pathogenic, but additional data are needed to prove that conclusively. Therefore, this variant has been classified as Likely Pathogenic. Donor and acceptor splice site variants typically lead to a loss of protein function (PMID: 16199547), and loss-of-function variants in SPG7 are known to be pathogenic (PMID: 21623769, 22964162). Algorithms developed to predict the effect of sequence changes on RNA splicing suggest that this variant may disrupt the consensus splice site, but this prediction has not been confirmed by published transcriptional studies. This variant has not been reported in the literature in individuals with SPG7-related conditions. This variant is not present in population databases (ExAC no frequency). This sequence change affects a donor splice site in intron 2 of the SPG7 gene. It is expected to disrupt RNA splicing and likely results in an absent or disrupted protein product.

Literature cited by the submitters: PubMed 16199547 (cited by Labcorp Genetics (formerly Invitae), Labcorp); PubMed 21623769 (cited by Labcorp Genetics (formerly Invitae), Labcorp); PubMed 22964162 (cited by Labcorp Genetics (formerly Invitae), Labcorp).

NM_003119.4(SPG7):c.286+1G>T

Gene: SPG7 (SPG7 matrix AAA peptidase subunit, paraplegin; plus strand). Cytogenetic location: 16q24.3.
Variant type: single nucleotide variant.
Coding change: c.286+1G>T on transcript NM_003119.4 (MANE Select); the canonical splice donor site of the intron after coding-DNA position 286, G replaced by T.
Molecular consequence: splice donor variant.
Genome position (GRCh38, 1-based): chr16:89,510,593, G>T. VCF-style: chr16-89510593-G-T. GRCh37 (hg19) VCF-style: chr16-89577001-G-T.
Other names: c.286+1G>T (NM_001363850.1, NM_199367.3).
Identifiers: ClinVar variation 1067127 (VCV001067127.9), dbSNP rs1452259575, ClinGen allele CA397416952.